The following is an entry in ClinVar:

NM_138295.5(PKD1L1):c.5703C>T (p.Ala1901=)

Gene: PKD1L1 (polycystin 1 like 1, transient receptor potential channel interacting; minus strand). Cytogenetic location: 7p12.3.
Variant type: single nucleotide variant.
Coding change: c.5703C>T on transcript NM_138295.5 (MANE Select); coding-DNA position 5703, C replaced by T.
Protein change: p.Ala1901=; no amino-acid change (alanine 1901 retained).
Molecular consequence: synonymous variant.
Genome position (GRCh38, 1-based): chr7:47,839,512, G>A on the plus strand (C>T on the coding strand, the complement: PKD1L1 is on the minus strand). VCF-style: chr7-47839512-G-A. GRCh37 (hg19) VCF-style: chr7-47879110-G-A.
Identifiers: ClinVar variation 4872624 (VCV004872624.2).

ClinVar aggregate classification (germline): Likely benign (1 of 4 stars; one submission).

gnomAD v4.1: 12 of 1,612,234 alleles (0.00074%); highest among the groups gnomAD compares: Admixed American, 0.0033%; no homozygotes.

Submission:

CeGaT Center for Human Genetics Tuebingen
Classification: Likely benign. Last evaluated: 2026-06-01. Review status: criteria provided, single submitter. Criteria: CeGaT Center For Human Genetics Tuebingen Variant Classification Criteria Version 2. Collection method: clinical testing. Allele origin: germline. Affected: yes. Observed: 1 variant allele.
Comment: PKD1L1: BP4, BP7